The following is an entry in ClinVar:

ClinVar aggregate classification (germline): Likely pathogenic (1 of 4 stars; one submission).

Conditions:
Familial cancer of breast. Also called: BREAST CANCER, FAMILIAL; Hereditary breast cancer; hereditary breast carcinoma. Identifiers: Orphanet 227535, MedGen C0346153, MONDO:0016419, OMIM 114480. Disease mechanism: loss of function.

Submission:

Myriad Genetics, Inc.
Classification: Likely pathogenic for Familial cancer of breast. Last evaluated: 2026-01-27. Review status: criteria provided, single submitter. Criteria: Myriad Autosomal Dominant, Autosomal Recessive and X-Linked Classification Criteria (2023). Collection method: clinical testing. Allele origin: unknown.
Comment: This variant is considered likely pathogenic. This variant occurs within a consensus splice junction and is predicted to result in abnormal mRNA splicing of either an out-of-frame exon or an in-frame exon necessary for protein stability and/or normal function.

NM_024675.4(PALB2):c.2587-2del

Gene: PALB2 (partner and localizer of BRCA2; minus strand). Cytogenetic location: 16p12.2.
Variant type: Deletion.
Coding change: c.2587-2del on transcript NM_024675.4 (MANE Select); the canonical splice acceptor site of the intron before coding-DNA position 2587, one base deleted (A; older notation c.2587-2delA).
Molecular consequence: splice acceptor variant. On other transcripts: intron variant (3).
Genome position (GRCh38, 1-based): chr16:23,626,399, T deleted on the plus strand (A on the coding strand, the reverse complement: PALB2 is on the minus strand). VCF-style (leftmost placement, unchanged base first): chr16-23626398-CT-C. GRCh37 (hg19) VCF-style: chr16-23637719-CT-C.
Other names: c.1702-2del (NM_001407308.1, NM_001407306.1, NM_001407309.1 and 4 more transcripts); c.121-2del (NM_001407314.1); c.799-2del (NM_001407313.1, NM_001407312.1); c.2527-2del (NM_001407296.1); c.2515-2del (NM_001407297.1); c.2587-2305del (NM_001407302.1, NM_001407298.1); c.2587-2del (NM_001407300.1, NM_001407299.1, NM_001407301.1); c.1702-2305del (NM_001407307.1).
Identifiers: ClinVar variation 4856727 (VCV004856727.1).